The following is an entry in ClinVar:

ClinVar aggregate classification (germline): Uncertain significance (1 of 4 stars; one submission).

Conditions:
Gastrointestinal stromal tumor. Also called: Gastrointestinal stromal tumor, somatic; Gastrointestinal stroma tumor. Identifiers: Orphanet 44890, MedGen C0238198, MeSH D046152, MONDO:0011719, OMIM 606764, HP:0100723.

Submission:

Labcorp Genetics (formerly Invitae), Labcorp
Classification: Uncertain significance for Gastrointestinal stromal tumor. Last evaluated: 2023-03-26. Review status: criteria provided, single submitter. Criteria: Invitae Variant Classification Sherloc (09022015). Collection method: clinical testing. Allele origin: germline.
Comment: In summary, the available evidence is currently insufficient to determine the role of this variant in disease. Therefore, it has been classified as a Variant of Uncertain Significance. An algorithm developed to predict the effect of missense changes on protein structure and function (PolyPhen-2) suggests that this variant is likely to be tolerated. This variant has not been reported in the literature in individuals affected with KIT-related conditions. This variant is not present in population databases (gnomAD no frequency). This sequence change replaces serine, which is neutral and polar, with alanine, which is neutral and non-polar, at codon 25 of the KIT protein (p.Ser25Ala).

NM_000222.3(KIT):c.73T>G (p.Ser25Ala)

Gene: KIT (KIT proto-oncogene, receptor tyrosine kinase; plus strand). Cytogenetic location: 4q12.
Variant type: single nucleotide variant.
Coding change: c.73T>G on transcript NM_000222.3 (MANE Select); coding-DNA position 73, T replaced by G.
Protein change: p.Ser25Ala; replaces serine 25 with alanine.
Molecular consequence: missense variant.
Genome position (GRCh38, 1-based): chr4:54,695,517, T>G. VCF-style: chr4-54695517-T-G. GRCh37 (hg19) VCF-style: chr4-55561683-T-G.
Other names: c.73T>G, p.Ser25Ala (NM_001093772.2, NM_001385284.1, NM_001385285.1 and 4 more transcripts); short protein forms S25A.
Identifiers: ClinVar variation 2849525 (VCV002849525.3), dbSNP rs2475439963, ClinGen allele CA356896790.